The following is an entry in ClinVar:

NM_000092.5(COL4A4):c.2165G>A (p.Gly722Asp)

Gene: COL4A4 (collagen type IV alpha 4 chain; minus strand). Cytogenetic location: 2q36.3.
Variant type: single nucleotide variant.
Coding change: c.2165G>A on transcript NM_000092.5 (MANE Select); coding-DNA position 2165, G replaced by A.
Protein change: p.Gly722Asp; replaces glycine 722 with aspartic acid.
Molecular consequence: missense variant.
Genome position (GRCh38, 1-based): chr2:227,059,623, C>T on the plus strand (G>A on the coding strand, the complement: COL4A4 is on the minus strand). VCF-style: chr2-227059623-C-T. GRCh37 (hg19) VCF-style: chr2-227924339-C-T.
Other names: short protein forms G722D.
Identifiers: ClinVar variation 4769176 (VCV004769176.1).

ClinVar aggregate classification (germline): Uncertain significance (1 of 4 stars; one submission).

gnomAD v4.1: 1 of 1,612,988 alleles (0.000062%); highest among the groups gnomAD compares: Non-Finnish European, 0.000085%; no homozygotes.

Submission:

Labcorp Genetics (formerly Invitae), Labcorp
Classification: Uncertain significance. Last evaluated: 2025-07-22. Review status: criteria provided, single submitter. Criteria: Invitae Variant Classification Sherloc (09022015). Collection method: clinical testing. Allele origin: germline.
Comment: This sequence change replaces glycine, which is neutral and non-polar, with aspartic acid, which is acidic and polar, at codon 722 of the COL4A4 protein (p.Gly722Asp). This variant is not present in population databases (gnomAD no frequency). This missense change has been observed in individual(s) with clinical features of autosomal dominant COL4A4-related conditions (internal data). An algorithm developed to predict the effect of missense changes on protein structure and function (PolyPhen-2) suggests that this variant is likely to be disruptive. In summary, the available evidence is currently insufficient to determine the role of this variant in disease. Therefore, it has been classified as a Variant of Uncertain Significance.